The following is an entry in ClinVar:

ClinVar aggregate classification (germline): Uncertain significance (1 of 4 stars; one submission).

Conditions:
Neurofibromatosis, type 1 (NF1). Also called: Peripheral type neurofibromatosis; VON RECKLINGHAUSEN DISEASE; Neurofibromatosis, type I; NEUROFIBROMATOSIS, TYPE I, SOMATIC. Identifiers: Orphanet 636, MedGen C0027831, MONDO:0018975, OMIM 162200. Disease mechanism: loss of function.

Submission:

Labcorp Genetics (formerly Invitae), Labcorp
Classification: Uncertain significance for Neurofibromatosis, type 1. Last evaluated: 2023-12-03. Review status: criteria provided, single submitter. Criteria: Invitae Variant Classification Sherloc (09022015). Collection method: clinical testing. Allele origin: germline.
Comment: This sequence change replaces serine, which is neutral and polar, with cysteine, which is neutral and slightly polar, at codon 829 of the NF1 protein (p.Ser829Cys). This variant is not present in population databases (gnomAD no frequency). This variant has not been reported in the literature in individuals affected with NF1-related conditions. Advanced modeling of protein sequence and biophysical properties (such as structural, functional, and spatial information, amino acid conservation, physicochemical variation, residue mobility, and thermodynamic stability) performed at Invitae indicates that this missense variant is not expected to disrupt NF1 protein function with a negative predictive value of 95%. In summary, the available evidence is currently insufficient to determine the role of this variant in disease. Therefore, it has been classified as a Variant of Uncertain Significance.

NM_001042492.3(NF1):c.2486C>G (p.Ser829Cys)

Gene: NF1 (neurofibromin 1; plus strand). Cytogenetic location: 17q11.2.
Variant type: single nucleotide variant.
Coding change: c.2486C>G on transcript NM_001042492.3 (MANE Select); coding-DNA position 2486, C replaced by G.
Protein change: p.Ser829Cys; replaces serine 829 with cysteine.
Molecular consequence: missense variant.
Genome position (GRCh38, 1-based): chr17:31,229,101, C>G. VCF-style: chr17-31229101-C-G. GRCh37 (hg19) VCF-style: chr17-29556119-C-G.
Other names: c.2486C>G, p.Ser829Cys (NM_000267.4); short protein forms S829C.
Identifiers: ClinVar variation 2700595 (VCV002700595.3), dbSNP rs1567848794, ClinGen allele CA398984047.